The following is an entry in ClinVar:

NM_001350965.2(DCLRE1C):c.1812C>T (p.Cys604=)

Genes: DCLRE1C (DNA cross-link repair 1C; minus strand), SUV39H2 (SUV39H2 histone lysine methyltransferase; plus strand). Cytogenetic location: 10p13.
Variant type: single nucleotide variant.
Coding change: c.1812C>T on transcript NM_001350965.2; coding-DNA position 1812, C replaced by T.
Protein change: p.Cys604=; no amino-acid change (cysteine 604 retained).
Molecular consequence: synonymous variant. On other transcripts: non-coding transcript variant (1), intron variant (5).
Genome position (GRCh38, 1-based): chr10:14,899,283, G>A on the plus strand (C>T on the coding strand, the complement: DCLRE1C is on the minus strand). VCF-style: chr10-14899283-G-A. GRCh37 (hg19) VCF-style: chr10-14941282-G-A.
Other names: c.1467C>T, p.Cys489= (NM_001350966.2); c.1452C>T, p.Cys484= (NM_001350967.2); c.670-256G>A (NM_024670.4, NM_001193425.2); c.130-256G>A (NM_001193427.2); c.850-256G>A (NM_001193424.2); c.310-256G>A (NM_001193426.2).
Identifiers: ClinVar variation 3042857 (VCV003042857.2), dbSNP rs904972641, ClinGen allele CA203418414.

ClinVar aggregate classification (germline): Likely benign (0 of 4 stars; one submission).

Conditions:
DCLRE1C-related disorder. Also called: DCLRE1C-related condition.

Allele frequency attached by ClinVar (database versions not stated): 1000 Genomes Project 30x 0.00031; TOPMed 0.00026; gnomAD 0.00029.
gnomAD v4.1: 82 of 702,088 alleles (0.012%); highest among the groups gnomAD compares: African/African-American, 0.073%; 1 homozygote.

Submission:

PreventionGenetics, part of Exact Sciences
Classification: Likely benign for DCLRE1C-related condition. Last evaluated: 2019-06-20. Review status: no assertion criteria provided. Collection method: clinical testing. Allele origin: germline.
Comment: This variant is classified as likely benign based on ACMG/AMP sequence variant interpretation guidelines (Richards et al. 2015 PMID: 25741868, with internal and published modifications).